The following is an entry in ClinVar:

NM_144997.7(FLCN):c.528G>C (p.Met176Ile)

Gene: FLCN (folliculin; minus strand). Cytogenetic location: 17p11.2.
Variant type: single nucleotide variant.
Coding change: c.528G>C on transcript NM_144997.7 (MANE Select); coding-DNA position 528, G replaced by C.
Protein change: p.Met176Ile; replaces methionine 176 with isoleucine.
Molecular consequence: missense variant.
Genome position (GRCh38, 1-based): chr17:17,224,012, C>G on the plus strand (G>C on the coding strand, the complement: FLCN is on the minus strand). VCF-style: chr17-17224012-C-G. GRCh37 (hg19) VCF-style: chr17-17127326-C-G.
Other names: c.582G>C, p.Met194Ile (NM_001353229.2); c.528G>C, p.Met176Ile (NM_001353230.2, NM_001353231.2, NM_144606.7); short protein forms M176I, M194I.
Identifiers: ClinVar variation 1746624 (VCV001746624.2), dbSNP rs2144976028, ClinGen allele CA398534356.

ClinVar aggregate classification (germline): Uncertain significance (1 of 4 stars; one submission).

Conditions:
Hereditary cancer-predisposing syndrome. Also called: Hereditary Cancer Syndrome; Neoplastic Syndromes, Hereditary; Tumor predisposition; Hereditary neoplastic syndrome. Identifiers: Orphanet 140162, MedGen C0027672, MeSH D009386, MONDO:0015356.

Submission:

Ambry Genetics
Classification: Uncertain significance for Hereditary cancer-predisposing syndrome. Last evaluated: 2020-09-30. Review status: criteria provided, single submitter. Criteria: Ambry Variant Classification Scheme 2023. Collection method: clinical testing. Allele origin: germline.
Comment: The p.M176I variant (also known as c.528G>C), located in coding exon 3 of the FLCN gene, results from a G to C substitution at nucleotide position 528. The methionine at codon 176 is replaced by isoleucine, an amino acid with highly similar properties. This amino acid position is not well conserved in available vertebrate species. In addition, the in silico prediction for this alteration is inconclusive. Since supporting evidence is limited at this time, the clinical significance of this alteration remains unclear.